The following is an entry in ClinVar:

ClinVar aggregate classification (germline): Uncertain significance (1 of 4 stars; one submission).

Allele frequency attached by ClinVar (database versions not stated): gnomAD exomes below 0.00001; ExAC 0.00001.
gnomAD v4.1: 4 of 1,607,112 alleles (0.00025%); highest among the groups gnomAD compares: South Asian, 0.0011%; no homozygotes.

Submission:

Ambry Genetics
Classification: Uncertain significance. Last evaluated: 2022-02-21. Review status: criteria provided, single submitter. Criteria: Ambry Variant Classification Scheme 2023. Collection method: clinical testing. Allele origin: germline.
Comment: The p.F641L variant (also known as c.1921T>C), located in coding exon 18 of the PRKDC gene, results from a T to C substitution at nucleotide position 1921. The phenylalanine at codon 641 is replaced by leucine, an amino acid with highly similar properties. This amino acid position is conserved. In addition, this alteration is predicted to be tolerated by in silico analysis. Since supporting evidence is limited at this time, the clinical significance of this alteration remains unclear.

NM_006904.7(PRKDC):c.1921T>C (p.Phe641Leu)

Gene: PRKDC (protein kinase, DNA-activated, catalytic subunit; minus strand). Cytogenetic location: 8q11.21.
Variant type: single nucleotide variant.
Coding change: c.1921T>C on transcript NM_006904.7 (MANE Select); coding-DNA position 1921, T replaced by C.
Protein change: p.Phe641Leu; replaces phenylalanine 641 with leucine.
Molecular consequence: missense variant.
Genome position (GRCh38, 1-based): chr8:47,929,984, A>G on the plus strand (T>C on the coding strand, the complement: PRKDC is on the minus strand). VCF-style: chr8-47929984-A-G. GRCh37 (hg19) VCF-style: chr8-48842544-A-G.
Other names: c.1921T>C, p.Phe641Leu (NM_001081640.2); short protein forms F641L.
Identifiers: ClinVar variation 1782698 (VCV001782698.2), dbSNP rs751353468, ClinGen allele CA4741593.